The following is an entry in ClinVar:

ClinVar aggregate classification (germline): Uncertain significance (1 of 4 stars; one submission).

Conditions:
Werner syndrome (WRN). Identifiers: Orphanet 902, MedGen C0043119, MONDO:0010196, OMIM 277700.

Submission:

Labcorp Genetics (formerly Invitae), Labcorp
Classification: Uncertain significance for Werner syndrome. Last evaluated: 2023-10-04. Review status: criteria provided, single submitter. Criteria: Invitae Variant Classification Sherloc (09022015). Collection method: clinical testing. Allele origin: germline.
Comment: This sequence change affects codon 827 of the WRN mRNA. It is a 'silent' change, meaning that it does not change the encoded amino acid sequence of the WRN protein. This variant is not present in population databases (gnomAD no frequency). This variant has not been reported in the literature in individuals affected with WRN-related conditions. Algorithms developed to predict the effect of sequence changes on RNA splicing suggest that this variant may disrupt the consensus splice site. In summary, the available evidence is currently insufficient to determine the role of this variant in disease. Therefore, it has been classified as a Variant of Uncertain Significance.

NM_000553.6(WRN):c.2481C>T (p.Gly827=)

Gene: WRN (WRN RecQ like helicase; plus strand). Cytogenetic location: 8p12.
Variant type: single nucleotide variant.
Coding change: c.2481C>T on transcript NM_000553.6 (MANE Select); coding-DNA position 2481, C replaced by T.
Protein change: p.Gly827=; no amino-acid change (glycine 827 retained).
Molecular consequence: synonymous variant.
Genome position (GRCh38, 1-based): chr8:31,120,275, C>T. VCF-style: chr8-31120275-C-T. GRCh37 (hg19) VCF-style: chr8-30977791-C-T.
Identifiers: ClinVar variation 2765318 (VCV002765318.3), dbSNP rs2535986301, ClinGen allele CA460218390.
Genomic context (GRCh38, chr8:31,120,275, plus strand): 5'-GTCAAACTGTGTTGTGATTTGTTCTCAGTGTGTCATAGCTACCATAGCTTTTGGAATGGG[C>T]ATTAATAAAGCTGACATTCGCCAAGTCATTCATTACGGTGCTCCTAAGGACATGGAATCA-3'
Protein context (NP_000544.2, residues 817-837): CVIATIAFGM[Gly827=]INKADIRQVI